The following is an entry in ClinVar:

NM_002294.3(LAMP2):c.199T>C (p.Ser67Pro)

Gene: LAMP2 (lysosome associated membrane protein 2; minus strand). Cytogenetic location: Xq24.
Variant type: single nucleotide variant.
Coding change: c.199T>C on transcript NM_002294.3 (MANE Select); coding-DNA position 199, T replaced by C.
Protein change: p.Ser67Pro; replaces serine 67 with proline.
Molecular consequence: missense variant.
Genome position (GRCh38, 1-based): chrX:120,455,555, A>G on the plus strand (T>C on the coding strand, the complement: LAMP2 is on the minus strand). VCF-style: chrX-120455555-A-G. GRCh37 (hg19) VCF-style: chrX-119589410-A-G.
Other names: c.199T>C (NM_002294.2); c.199T>C, p.Ser67Pro (NM_001122606.1, NM_013995.2); short protein forms S67P.
Identifiers: ClinVar variation 1393723 (VCV001393723.7), dbSNP rs2147286966, ClinGen allele CA414403506.

ClinVar aggregate classification (germline): Uncertain significance. Review status: criteria provided, multiple submitters, no conflicts (2 of 4 stars). 2 submissions from 2 submitters: Uncertain significance (2). Last evaluated 2023-03-06.

Conditions:
Cardiovascular phenotype. Identifiers: MedGen CN230736.
Danon disease. Also called: PSEUDOGLYCOGENOSIS II; GSD IIb; LYSOSOMAL GLYCOGEN STORAGE DISEASE WITHOUT ACID MALTASE DEFICIENCY; ANTOPOL DISEASE; Glycogen Storage Disease Type IIb. Identifiers: Orphanet 34587, MedGen C0878677, MONDO:0010281, OMIM 300257.

Allele frequency attached by ClinVar (database versions not stated): gnomAD exomes 0.00001.
gnomAD v4.1: 9 of 1,205,079 alleles (0.00075%); highest among the groups gnomAD compares: Non-Finnish European, 0.0009%; no homozygotes.

Submissions (2):

Ambry Genetics
Classification: Uncertain significance for Cardiovascular phenotype. Last evaluated: 2023-03-06. Review status: criteria provided, single submitter. Criteria: Ambry Variant Classification Scheme 2023. Collection method: clinical testing. Allele origin: germline.
Comment: The p.S67P variant (also known as c.199T>C), located in coding exon 3 of the LAMP2 gene, results from a T to C substitution at nucleotide position 199. The serine at codon 67 is replaced by proline, an amino acid with similar properties. This amino acid position is not well conserved in available vertebrate species. In addition, this alteration is predicted to be tolerated by in silico analysis. Since supporting evidence is limited at this time, the clinical significance of this alteration remains unclear.

Labcorp Genetics (formerly Invitae), Labcorp
Classification: Uncertain significance for Danon disease. Last evaluated: 2021-07-28. Review status: criteria provided, single submitter. Criteria: Invitae Variant Classification Sherloc (09022015). Collection method: clinical testing. Allele origin: germline.
Comment: In summary, the available evidence is currently insufficient to determine the role of this variant in disease. Therefore, it has been classified as a Variant of Uncertain Significance. Algorithms developed to predict the effect of missense changes on protein structure and function output the following: SIFT: "Deleterious"; PolyPhen-2: "Benign"; Align-GVGD: "Class C0". The proline amino acid residue is found in multiple mammalian species, which suggests that this missense change does not adversely affect protein function. This variant has not been reported in the literature in individuals affected with LAMP2-related conditions. This variant is not present in population databases (ExAC no frequency). This sequence change replaces serine with proline at codon 67 of the LAMP2 protein (p.Ser67Pro). The serine residue is weakly conserved and there is a moderate physicochemical difference between serine and proline.